The following is an entry in ClinVar:

NM_001378120.1(MBD5):c.1027T>C (p.Ser343Pro)

Gene: MBD5 (methyl-CpG binding domain protein 5; plus strand). Cytogenetic location: 2q23.1.
Variant type: single nucleotide variant.
Coding change: c.1027T>C on transcript NM_001378120.1 (MANE Select); coding-DNA position 1027, T replaced by C.
Protein change: p.Ser343Pro; replaces serine 343 with proline.
Molecular consequence: missense variant.
Genome position (GRCh38, 1-based): chr2:148,468,970, T>C. VCF-style: chr2-148468970-T-C. GRCh37 (hg19) VCF-style: chr2-149226539-T-C.
Other names: c.1027T>C, p.Ser343Pro (NM_018328.5); short protein forms S343P.
Identifiers: ClinVar variation 2651408 (VCV002651408.24), dbSNP rs2469860303, ClinGen allele CA348718215.

ClinVar aggregate classification (germline): Uncertain significance (1 of 4 stars; one submission).

gnomAD v4.1: 1 of 1,613,730 alleles (0.000062%); highest among the groups gnomAD compares: Non-Finnish European, 0.000085%; no homozygotes.

Submission:

CeGaT Center for Human Genetics Tuebingen
Classification: Uncertain significance. Last evaluated: 2022-03-01. Review status: criteria provided, single submitter. Criteria: CeGaT Center For Human Genetics Tuebingen Variant Classification Criteria Version 2. Collection method: clinical testing. Allele origin: germline. Affected: yes. Observed: 1 variant allele.
Comment: MBD5: PM2